The following is an entry in ClinVar:

NM_000407.5(GP1BB):c.411G>A (p.Leu137=)

Genes: GP1BB (glycoprotein Ib platelet subunit beta; plus strand), SEPT5-GP1BB (SEPT5-GP1BB readthrough; plus strand). Cytogenetic location: 22q11.21.
Variant type: single nucleotide variant.
Coding change: c.411G>A on transcript NM_000407.5 (MANE Select); coding-DNA position 411, G replaced by A.
Protein change: p.Leu137=; no amino-acid change (leucine 137 retained).
Molecular consequence: synonymous variant. On other transcripts: non-coding transcript variant (2).
Genome position (GRCh38, 1-based): chr22:19,724,254, G>A. VCF-style: chr22-19724254-G-A. GRCh37 (hg19) VCF-style: chr22-19711777-G-A.
Identifiers: ClinVar variation 4687472 (VCV004687472.3).

ClinVar aggregate classification (germline): Likely benign. Review status: criteria provided, multiple submitters, no conflicts (2 of 4 stars). 3 submissions from 3 submitters: Likely benign (3). Last evaluated 2026-08-01.

gnomAD v4.1: 886 of 1,245,512 alleles (0.071%); highest among the groups gnomAD compares: Non-Finnish European, 0.081%; 1 homozygote.

Submissions (3):

CeGaT Center for Human Genetics Tuebingen
Classification: Likely benign. Last evaluated: 2026-08-01. Review status: criteria provided, single submitter. Criteria: CeGaT Center For Human Genetics Tuebingen Variant Classification Criteria Version 2. Collection method: clinical testing. Allele origin: germline. Affected: yes. Observed: 1 variant allele.
Comment: GP1BB: BP4, BP7

Women's Health and Genetics/Laboratory Corporation of America, LabCorp
Classification: Likely benign. Last evaluated: 2025-10-08. Review status: criteria provided, single submitter. Criteria: LabCorp Variant Classification Summary - May 2015. Collection method: clinical testing. Allele origin: germline.

Blueprint Genetics
Classification: Likely benign. Last evaluated: 2024-11-14. Review status: criteria provided, single submitter. Criteria: ACMG Guidelines, 2015. Collection method: clinical testing. Allele origin: germline.